The following is an entry in ClinVar:

ClinVar aggregate classification (germline): Pathogenic (1 of 4 stars; one submission).

Submission:

Labcorp Genetics (formerly Invitae), Labcorp
Classification: Pathogenic. Last evaluated: 2021-11-14. Review status: criteria provided, single submitter. Criteria: Invitae Variant Classification Sherloc (09022015). Collection method: clinical testing. Allele origin: germline.
Comment: For these reasons, this variant has been classified as Pathogenic. This variant has not been reported in the literature in individuals affected with VARS2-related conditions. This variant is a gross deletion of the genomic region encompassing exon(s) 24-26 of the VARS2 gene. This deletion is out-of-frame, and is expected to create a premature termination codon and result in an absent or disrupted protein product. Loss-of-function variants in VARS2 are known to be pathogenic (PMID: 29313548).

Literature cited by the submitters: PubMed 29313548.

NC_000006.11:g.(?_30890861)_(30892357_?)del

Gene: VARS2 (valyl-tRNA synthetase 2, mitochondrial; plus strand). Cytogenetic location: 6p21.33.
Variant type: Deletion.
Identifiers: ClinVar variation 2423916 (VCV002423916.3).